The following is an entry in ClinVar:

NM_001384732.1(CPLANE1):c.3626A>C (p.Gln1209Pro)

Gene: CPLANE1 (ciliogenesis and planar polarity effector complex subunit 1; minus strand). Cytogenetic location: 5p13.2.
Variant type: single nucleotide variant.
Coding change: c.3626A>C on transcript NM_001384732.1 (MANE Select); coding-DNA position 3626, A replaced by C.
Protein change: p.Gln1209Pro; replaces glutamine 1209 with proline.
Molecular consequence: missense variant.
Genome position (GRCh38, 1-based): chr5:37,198,748, T>G on the plus strand (A>C on the coding strand, the complement: CPLANE1 is on the minus strand). VCF-style: chr5-37198748-T-G. GRCh37 (hg19) VCF-style: chr5-37198850-T-G.
Other names: c.3626A>C, p.Gln1209Pro (NM_023073.4); short protein forms Q1209P.
Identifiers: ClinVar variation 434554 (VCV000434554.11), dbSNP rs762591555, ClinGen allele CA359511295.

ClinVar aggregate classification (germline): Uncertain significance. Review status: criteria provided, multiple submitters, no conflicts (2 of 4 stars). 2 submissions from 2 submitters: Uncertain significance (2). Last evaluated 2021-12-10.

Allele frequency attached by ClinVar (database versions not stated): TOPMed 0.00001.

Submissions (2):

Labcorp Genetics (formerly Invitae), Labcorp
Classification: Uncertain significance. Last evaluated: 2021-12-10. Review status: criteria provided, single submitter. Criteria: Invitae Variant Classification Sherloc (09022015). Collection method: clinical testing. Allele origin: germline.
Comment: In summary, the available evidence is currently insufficient to determine the role of this variant in disease. Therefore, it has been classified as a Variant of Uncertain Significance. Advanced modeling of protein sequence and biophysical properties (such as structural, functional, and spatial information, amino acid conservation, physicochemical variation, residue mobility, and thermodynamic stability) performed at Invitae indicates that this missense variant is expected to disrupt CPLANE1 protein function. ClinVar contains an entry for this variant (Variation ID: 434554). This variant has not been reported in the literature in individuals affected with CPLANE1-related conditions. This variant is not present in population databases (gnomAD no frequency). This sequence change replaces glutamine, which is neutral and polar, with proline, which is neutral and non-polar, at codon 1209 of the CPLANE1 protein (p.Gln1209Pro).

Genetic Services Laboratory, University of Chicago
Classification: Uncertain significance. Last evaluated: 2016-09-23. Review status: criteria provided, single submitter. Criteria: ACMG Guidelines, 2015. Collection method: clinical testing. Allele origin: germline. Affected: no.